The following is an entry in ClinVar:

NM_001130823.3(DNMT1):c.856G>A (p.Val286Met)

Gene: DNMT1 (DNA methyltransferase 1; minus strand). Cytogenetic location: 19p13.2.
Variant type: single nucleotide variant.
Coding change: c.856G>A on transcript NM_001130823.3 (MANE Select); coding-DNA position 856, G replaced by A.
Protein change: p.Val286Met; replaces valine 286 with methionine.
Molecular consequence: missense variant.
Genome position (GRCh38, 1-based): chr19:10,166,633, C>T on the plus strand (G>A on the coding strand, the complement: DNMT1 is on the minus strand). VCF-style: chr19-10166633-C-T. GRCh37 (hg19) VCF-style: chr19-10277309-C-T.
Other names: c.808G>A, p.Val270Met (NM_001318730.2, NM_001379.4); c.493G>A, p.Val165Met (NM_001318731.2); c.856G>A (NM_001130823.2, LRG_362t1); short protein forms V286M, V165M, V270M.
Identifiers: ClinVar variation 546126 (VCV000546126.11), dbSNP rs368960099, ClinGen allele CA9188560.

ClinVar aggregate classification (germline): Conflicting classifications of pathogenicity. Review status: criteria provided, conflicting classifications (1 of 4 stars). 3 submissions from 3 submitters: Uncertain significance (1); Likely benign (2). Last evaluated 2026-08-28.

Conditions:
Hereditary sensory neuropathy-deafness-dementia syndrome. Also called: NEUROPATHY, HEREDITARY SENSORY, WITH HEARING LOSS AND DEMENTIA; HSN IE; Hereditary sensory neuropathy type IE; Hereditary Sensory and Autonomic Neuropathy Type 1E (HSAN1E). Identifiers: Orphanet 456318, MedGen C3279885, MONDO:0013584, OMIM 614116.
DNMT1-related disorder. Also called: DNMT1-related condition. Identifiers: MedGen CN381527.

Allele frequency attached by ClinVar (database versions not stated): ExAC 0.00001; gnomAD exomes 0.00001 and 0.00002; TOPMed 0.00006; ESP Exome Variant Server 0.00008; gnomAD 0.00009 and 0.00011.
gnomAD v4.1: 27 of 1,614,096 alleles (0.0017%); highest among the groups gnomAD compares: African/African-American, 0.023%; no homozygotes.

Submissions (3):

PreventionGenetics, part of Exact Sciences
Classification: Uncertain significance for DNMT1-related condition. Last evaluated: 2026-08-28. Review status: criteria provided, single submitter. Criteria: ACMG Guidelines, 2015. Collection method: clinical testing. Allele origin: germline.
Comment: The DNMT1 c.856G>A variant is predicted to result in the amino acid substitution p.Val286Met. To our knowledge, this variant has not been reported in the literature. This variant is reported in 0.020% of alleles in individuals of African descent in gnomAD. Although we suspect that this variant may be benign, at this time, the clinical significance of this variant is uncertain due to the absence of conclusive functional and genetic evidence.

Labcorp Genetics (formerly Invitae), Labcorp
Classification: Likely benign for Hereditary sensory neuropathy-deafness-dementia syndrome. Last evaluated: 2025-04-21. Review status: criteria provided, single submitter. Criteria: Invitae Variant Classification Sherloc (09022015). Collection method: clinical testing. Allele origin: germline.

GeneDx
Classification: Likely benign. Last evaluated: 2021-05-25. Review status: criteria provided, single submitter. Criteria: GeneDx Variant Classification Process June 2021. Collection method: clinical testing. Allele origin: germline. Affected: yes.